The following is an entry in ClinVar:

NM_203447.4(DOCK8):c.4627-306T>C

Gene: DOCK8 (dedicator of cytokinesis 8; plus strand). Cytogenetic location: 9p24.3.
Variant type: single nucleotide variant.
Coding change: c.4627-306T>C on transcript NM_203447.4 (MANE Select); 306 bases into the intron before coding-DNA position 4627, T replaced by C.
Molecular consequence: intron variant.
Genome position (GRCh38, 1-based): chr9:431,860, T>C. VCF-style: chr9-431860-T-C. GRCh37 (hg19) VCF-style: chr9-431860-T-C.
Other names: c.4423-306T>C (NM_001193536.2); c.4327-306T>C (NM_001190458.2).
Identifiers: ClinVar variation 667681 (VCV000667681.1), dbSNP rs1329376, ClinGen allele CA15622290.

ClinVar aggregate classification (germline): Benign (1 of 4 stars; one submission).

Allele frequency attached by ClinVar (database versions not stated): gnomAD 0.68699 and 0.69478; TOPMed 0.69014; 1000 Genomes Project 30x 0.70878; 1000 Genomes Project 0.71625.
gnomAD v4.1: 105,322 of 151,570 alleles (69%); highest among the groups gnomAD compares: East Asian, 98%; 37,942 homozygotes.

Submission:

GeneDx
Classification: Benign. Last evaluated: 2018-06-14. Review status: criteria provided, single submitter. Criteria: GeneDx Variant Classification (06012015). Collection method: clinical testing. Allele origin: germline. Affected: yes.
Comment: This variant is considered likely benign or benign based on one or more of the following criteria: it is a conservative change, it occurs at a poorly conserved position in the protein, it is predicted to be benign by multiple in silico algorithms, and/or has population frequency not consistent with disease.